The following is an entry in ClinVar:

ClinVar aggregate classification (germline): Pathogenic (1 of 4 stars; one submission).

Conditions:
Duchenne muscular dystrophy (DMD). Also called: Duchenne Muscular Dystrophy (DMD); MUSCULAR DYSTROPHY, PSEUDOHYPERTROPHIC PROGRESSIVE, DUCHENNE TYPE. Identifiers: Orphanet 98896, MedGen C0013264, MONDO:0010679, OMIM 310200.

Submission:

Labcorp Genetics (formerly Invitae), Labcorp
Classification: Pathogenic for Duchenne muscular dystrophy. Last evaluated: 2019-06-17. Review status: criteria provided, single submitter. Criteria: Invitae Variant Classification Sherloc (09022015). Collection method: clinical testing. Allele origin: germline.
Comment: This variant is an out-of-frame deletion of the genomic region encompassing exon 19 of the DMD gene. This is expected to create a premature translational stop signal and result in an absent or disrupted protein product. A similar deletion of exons 19 has been reported in several individuals affected with DMD-related muscular dystrophy (PMID: 11381192, 18353051). Loss-of-function variants in DMD are known to be pathogenic (PMID: 16770791, 25007885). For these reasons, this variant has been classified as Pathogenic.

Literature cited by the submitters: PubMed 18353051; PubMed 11381192.

NC_000023.11:g.(?_32501745)_(32501852_?)del

Gene: DMD (dystrophin; minus strand). Cytogenetic location: Xp21.1.
Variant type: Deletion.
Identifiers: ClinVar variation 832831 (VCV000832831.1).